The following is an entry in ClinVar:

NM_002878.4(RAD51D):c.964A>G (p.Thr322Ala)

Genes: RAD51D (RAD51 paralog D; minus strand), RAD51L3-RFFL (RAD51L3-RFFL readthrough; minus strand). Cytogenetic location: 17q12.
Variant type: single nucleotide variant.
Coding change: c.964A>G on transcript NM_002878.4 (MANE Select); coding-DNA position 964, A replaced by G.
Protein change: p.Thr322Ala; replaces threonine 322 with alanine.
Molecular consequence: missense variant. On other transcripts: non-coding transcript variant (2).
Genome position (GRCh38, 1-based): chr17:35,100,976, T>C on the plus strand (A>G on the coding strand, the complement: RAD51D is on the minus strand). VCF-style: chr17-35100976-T-C. GRCh37 (hg19) VCF-style: chr17-33427995-T-C.
Other names: c.1024A>G, p.Thr342Ala (NM_001142571.2); c.628A>G, p.Thr210Ala (NM_133629.3); short protein forms T210A, T342A, T322A.
Identifiers: ClinVar variation 4149917 (VCV004149917.1).

ClinVar aggregate classification (germline): Uncertain significance (1 of 4 stars; one submission).

Conditions:
Hereditary cancer-predisposing syndrome. Also called: Hereditary neoplastic syndrome; Neoplastic Syndromes, Hereditary; Tumor predisposition; Hereditary Cancer Syndrome. Identifiers: Orphanet 140162, MedGen C0027672, MeSH D009386, MONDO:0015356.

Submission:

Ambry Genetics
Classification: Uncertain significance for Hereditary cancer-predisposing syndrome. Last evaluated: 2025-08-23. Review status: criteria provided, single submitter. Criteria: Ambry Variant Classification Scheme 2023. Collection method: clinical testing. Allele origin: germline.
Comment: The p.T322A variant (also known as c.964A>G), located in coding exon 10 of the RAD51D gene, results from an A to G substitution at nucleotide position 964. The threonine at codon 322 is replaced by alanine, an amino acid with similar properties. This amino acid position is conserved. In addition, this alteration is predicted to be tolerated by in silico analysis. Based on the available evidence, the clinical significance of this variant remains unclear.